The following is an entry in ClinVar:

ClinVar aggregate classification (germline): Benign/Likely benign. Review status: criteria provided, multiple submitters, no conflicts (2 of 4 stars). 4 submissions from 4 submitters: Benign (1); Likely benign (3). Last evaluated 2025-09-01.

Allele frequency attached by ClinVar (database versions not stated): ExAC 0.00016; gnomAD exomes 0.00017; ESP Exome Variant Server 0.00062; TOPMed 0.00065; gnomAD 0.00066 and 0.00069; 1000 Genomes Project 0.00100; 1000 Genomes Project 30x 0.00109.
gnomAD v4.1: 225 of 1,614,092 alleles (0.014%); highest among the groups gnomAD compares: African/African-American, 0.21%; no homozygotes.

Submissions (4):

CeGaT Center for Human Genetics Tuebingen
Classification: Likely benign. Last evaluated: 2025-09-01. Review status: criteria provided, single submitter. Criteria: CeGaT Center For Human Genetics Tuebingen Variant Classification Criteria Version 2. Collection method: clinical testing. Allele origin: germline. Affected: yes. Observed: 1 variant allele.
Comment: TGM6: PM5, BS1

Athena Diagnostics
Classification: Benign. Last evaluated: 2025-04-14. Review status: criteria provided, single submitter. Criteria: Athena Diagnostics Criteria. Collection method: clinical testing. Allele origin: unknown.
Comment: The frequency of this variant in the general population is higher than would generally be expected for pathogenic variants in this gene.

Labcorp Genetics (formerly Invitae), Labcorp
Classification: Likely benign. Last evaluated: 2025-04-01. Review status: criteria provided, single submitter. Criteria: Invitae Variant Classification Sherloc (09022015). Collection method: clinical testing. Allele origin: germline.

Genetic Services Laboratory, University of Chicago
Classification: Likely benign. Last evaluated: 2020-01-27. Review status: criteria provided, single submitter. Criteria: ACMG Guidelines, 2015. Collection method: clinical testing. Allele origin: germline. Affected: no.

NM_198994.3(TGM6):c.1025G>A (p.Arg342Gln)

Gene: TGM6 (transglutaminase 6; plus strand). Cytogenetic location: 20p13.
Variant type: single nucleotide variant.
Coding change: c.1025G>A on transcript NM_198994.3 (MANE Select); coding-DNA position 1025, G replaced by A.
Protein change: p.Arg342Gln; replaces arginine 342 with glutamine.
Molecular consequence: missense variant.
Genome position (GRCh38, 1-based): chr20:2,403,432, G>A. VCF-style: chr20-2403432-G-A. GRCh37 (hg19) VCF-style: chr20-2384078-G-A.
Other names: c.1025G>A, p.Arg342Gln (NM_001254734.2); short protein forms R342Q.
Identifiers: ClinVar variation 437002 (VCV000437002.21), dbSNP rs201645096, ClinGen allele CA9731944.